The following is an entry in ClinVar:

NM_201253.3(CRB1):c.600A>G (p.Thr200=)

Gene: CRB1 (crumbs cell polarity complex component 1; plus strand). Cytogenetic location: 1q31.3.
Variant type: single nucleotide variant.
Coding change: c.600A>G on transcript NM_201253.3 (MANE Select); coding-DNA position 600, A replaced by G.
Protein change: p.Thr200=; no amino-acid change (threonine 200 retained).
Molecular consequence: synonymous variant. On other transcripts: non-coding transcript variant (2).
Genome position (GRCh38, 1-based): chr1:197,328,951, A>G. VCF-style: chr1-197328951-A-G. GRCh37 (hg19) VCF-style: chr1-197298081-A-G.
Other names: c.600A>G, p.Thr200= (NM_001193640.2, NM_001257966.2); c.393A>G, p.Thr131= (NM_001257965.2).
Identifiers: ClinVar variation 195442 (VCV000195442.30), dbSNP rs77713666, ClinGen allele CA201752.

ClinVar aggregate classification (germline): Conflicting classifications of pathogenicity. Review status: criteria provided, conflicting classifications (1 of 4 stars). 10 submissions from 8 submitters: Uncertain significance (2); Benign (4); Likely benign (1). 3 of the submissions do not count toward it. Last evaluated 2026-01-26.

Conditions:
Leber congenital amaurosis 8 (LCA8). Identifiers: Orphanet 65, MedGen C3151202, MONDO:0013453, OMIM 613835.
Retinitis pigmentosa 12 (RP12). Also called: RP WITH OR WITHOUT PRESERVED PARAARTERIOLE RETINAL PIGMENT EPITHELIUM; RETINITIS PIGMENTOSA WITH OR WITHOUT PARAARTERIOLAR PRESERVATION OF RETINAL PIGMENT EPITHELIUM; RP WITH OR WITHOUT PPRPE. Identifiers: Orphanet 791, MedGen C1838647, MONDO:0010818, OMIM 600105.
Leber congenital amaurosis (LCA). Also called: Leber's amaurosis. Identifiers: Orphanet 65, MedGen C0339527, MeSH D057130, MONDO:0018998.
Retinitis pigmentosa (RP). Identifiers: Orphanet 791, MedGen C0035334, MeSH D012174, MONDO:0019200, OMIM 268000. Inheritance: Autosomal dominant, autosomal recessive and X linked inheritance.
Pigmented paravenous retinochoroidal atrophy. Identifiers: Orphanet 251295, MedGen C1868310, MONDO:0008246, OMIM 172870.

Allele frequency attached by ClinVar (database versions not stated): gnomAD exomes 0.00038 and 0.00073; ExAC 0.00088; ESP Exome Variant Server 0.00231; gnomAD 0.00244 and 0.00254; TOPMed 0.00249; 1000 Genomes Project 0.00359; 1000 Genomes Project 30x 0.00406.
gnomAD v4.1: 950 of 1,614,176 alleles (0.059%); highest among the groups gnomAD compares: African/African-American, 0.82%; 2 homozygotes.

Submissions (10):

Labcorp Genetics (formerly Invitae), Labcorp
Classification: Benign for Leber congenital amaurosis 8; Retinitis pigmentosa 12. Last evaluated: 2026-01-26. Review status: criteria provided, single submitter. Criteria: Invitae Variant Classification Sherloc (09022015). Collection method: clinical testing. Allele origin: germline.

Blueprint Genetics
Classification: Likely benign. Last evaluated: 2024-10-31. Review status: criteria provided, single submitter. Criteria: ACMG Guidelines, 2015. Collection method: clinical testing. Allele origin: germline.

ARUP Laboratories, Molecular Genetics and Genomics, ARUP Laboratories
Classification: Benign. Last evaluated: 2018-12-13. Review status: criteria provided, single submitter. Criteria: ARUP Molecular Germline Variant Investigation Process. Collection method: clinical testing. Allele origin: germline.

Illumina Laboratory Services, Illumina
Classification: Uncertain significance for Retinitis pigmentosa. Last evaluated: 2018-01-12. Review status: criteria provided, single submitter. Criteria: ICSL Variant Classification Criteria 13 December 2019. Collection method: clinical testing. Allele origin: germline.

Illumina Laboratory Services, Illumina
Classification: Benign for Pigmented paravenous retinochoroidal atrophy. Last evaluated: 2018-01-12. Review status: criteria provided, single submitter. Criteria: ICSL Variant Classification Criteria 13 December 2019. Collection method: clinical testing. Allele origin: germline.
Comment: This variant was observed in the ICSL laboratory as part of a predisposition screen in an ostensibly healthy population. It had not been previously curated by ICSL or reported in the Human Gene Mutation Database (HGMD: prior to June 1st, 2018), and was therefore a candidate for classification through an automated scoring system. Utilizing variant allele frequency, disease prevalence and penetrance estimates, and inheritance mode, an automated score was calculated to assess if this variant is too frequent to cause the disease. Based on the score and internal cut-off values, a variant classified as benign is not then subjected to further curation. The score for this variant resulted in a classification of benign for this disease.

Illumina Laboratory Services, Illumina
Classification: Uncertain significance for Leber congenital amaurosis 8. Last evaluated: 2018-01-12. Review status: criteria provided, single submitter. Criteria: ICSL Variant Classification Criteria 13 December 2019. Collection method: clinical testing. Allele origin: germline.

Eurofins Ntd Llc (ga)
Classification: Benign. Last evaluated: 2014-12-08. Review status: criteria provided, single submitter. Criteria: EGL Classification Definitions 2015. Collection method: clinical testing. Allele origin: germline. Observed: 1 variant allele, 1 heterozygote.

Natera, Inc.
Classification: Likely benign for Leber congenital amaurosis. Last evaluated: 2021-02-26. Review status: no assertion criteria provided. Collection method: clinical testing. Allele origin: germline. Not counted in ClinVar's aggregate classification.

Clinical Genetics DNA and cytogenetics Diagnostics Lab, Erasmus MC, Erasmus Medical Center
Classification: Likely benign. Review status: no assertion criteria provided. Collection method: clinical testing. Allele origin: germline. Affected: yes. Study: VKGL Data-share Consensus. Not counted in ClinVar's aggregate classification.

Clinical Genetics, Academic Medical Center
Classification: Benign. Review status: no assertion criteria provided. Collection method: clinical testing. Allele origin: germline. Affected: yes. Study: VKGL Data-share Consensus. Not counted in ClinVar's aggregate classification.